The following is an entry in ClinVar:

ClinVar aggregate classification (germline): Uncertain significance. Review status: criteria provided, multiple submitters, no conflicts (2 of 4 stars). 2 submissions from 2 submitters: Uncertain significance (2). Last evaluated 2025-08-12.

Allele frequency attached by ClinVar (database versions not stated): ExAC 0.00006; gnomAD exomes 0.00007; ESP Exome Variant Server 0.00008; gnomAD 0.00010; TOPMed 0.00011.

Submissions (2):

Labcorp Genetics (formerly Invitae), Labcorp
Classification: Uncertain significance. Last evaluated: 2025-08-12. Review status: criteria provided, single submitter. Criteria: Invitae Variant Classification Sherloc (09022015). Collection method: clinical testing. Allele origin: germline.
Comment: This sequence change replaces proline, which is neutral and non-polar, with leucine, which is neutral and non-polar, at codon 360 of the TUBA8 protein (p.Pro360Leu). This variant is present in population databases (rs370159337, gnomAD 0.01%). This variant has not been reported in the literature in individuals affected with TUBA8-related conditions. ClinVar contains an entry for this variant (Variation ID: 1401263). Invitae Evidence Modeling of protein sequence and biophysical properties (such as structural, functional, and spatial information, amino acid conservation, physicochemical variation, residue mobility, and thermodynamic stability) has been performed for this missense variant. However, the output from this modeling did not meet the statistical confidence thresholds required to predict the impact of this variant on TUBA8 protein function. In summary, the available evidence is currently insufficient to determine the role of this variant in disease. Therefore, it has been classified as a Variant of Uncertain Significance.

Ambry Genetics
Classification: Uncertain significance. Last evaluated: 2024-09-25. Review status: criteria provided, single submitter. Criteria: Ambry Variant Classification Scheme 2023. Collection method: clinical testing. Allele origin: germline.

NM_018943.3(TUBA8):c.1079C>T (p.Pro360Leu)

Gene: TUBA8 (tubulin alpha 8; plus strand). Cytogenetic location: 22q11.21.
Variant type: single nucleotide variant.
Coding change: c.1079C>T on transcript NM_018943.3 (MANE Select); coding-DNA position 1079, C replaced by T.
Protein change: p.Pro360Leu; replaces proline 360 with leucine.
Molecular consequence: missense variant.
Genome position (GRCh38, 1-based): chr22:18,130,865, C>T. VCF-style: chr22-18130865-C-T. GRCh37 (hg19) VCF-style: chr22-18613632-C-T.
Other names: c.881C>T, p.Pro294Leu (NM_001193414.2); c.1079C>T (NM_018943.2); short protein forms P360L, P294L.
Identifiers: ClinVar variation 1401263 (VCV001401263.7), dbSNP rs370159337, ClinGen allele CA10093833.
Genomic context (GRCh38, chr22:18,130,865, plus strand): 5'-TCTTCTTCTGTGGCTCCTCCTCTTTCTGTGTCCCTCAGGTGGGCATCAACTACCAGCCCC[C>T]GACCGTGGTCCCCGGGGGAGACCTGGCCAAGGTGCAGCGGGCCGTCTGCATGCTCAGCAA-3'
Protein context (NP_061816.1, residues 350-370): GFKVGINYQP[Pro360Leu]TVVPGGDLAK